The following is an entry in ClinVar:

NM_001040108.2(MLH3):c.236A>G (p.His79Arg)

Gene: MLH3 (mutL homolog 3; minus strand). Cytogenetic location: 14q24.3.
Variant type: single nucleotide variant.
Coding change: c.236A>G on transcript NM_001040108.2 (MANE Select); coding-DNA position 236, A replaced by G.
Protein change: p.His79Arg; replaces histidine 79 with arginine.
Molecular consequence: missense variant.
Genome position (GRCh38, 1-based): chr14:75,049,420, T>C on the plus strand (A>G on the coding strand, the complement: MLH3 is on the minus strand). VCF-style: chr14-75049420-T-C. GRCh37 (hg19) VCF-style: chr14-75516123-T-C.
Other names: c.236A>G, p.His79Arg (NM_014381.3); short protein forms H79R.
Identifiers: ClinVar variation 642836 (VCV000642836.14), dbSNP rs753528013, ClinGen allele CA7276069.

ClinVar aggregate classification (germline): Uncertain significance. Review status: criteria provided, multiple submitters, no conflicts (2 of 4 stars). 2 submissions from 2 submitters: Uncertain significance (2). Last evaluated 2025-03-07.

Conditions:
Colorectal cancer, hereditary nonpolyposis, type 7. Identifiers: Orphanet 144, MedGen C1858380, MONDO:0013725, OMIM 614385.

Allele frequency attached by ClinVar (database versions not stated): ExAC 0.00001; gnomAD exomes 0.00001.
gnomAD v4.1: 7 of 1,614,036 alleles (0.00043%); highest among the groups gnomAD compares: Middle Eastern, 0.049%; no homozygotes.

Submissions (2):

Ambry Genetics
Classification: Uncertain significance. Last evaluated: 2025-03-07. Review status: criteria provided, single submitter. Criteria: Ambry Variant Classification Scheme 2023. Collection method: clinical testing. Allele origin: germline.
Comment: The p.H79R variant (also known as c.236A>G), located in coding exon 1 of the MLH3 gene, results from an A to G substitution at nucleotide position 236. The histidine at codon 79 is replaced by arginine, an amino acid with highly similar properties. This amino acid position is conserved. In addition, this alteration is predicted to be tolerated by in silico analysis. Since supporting evidence is limited at this time, the clinical significance of this alteration remains unclear.

Labcorp Genetics (formerly Invitae), Labcorp
Classification: Uncertain significance for Colorectal cancer, hereditary nonpolyposis, type 7. Last evaluated: 2022-04-21. Review status: criteria provided, single submitter. Criteria: Invitae Variant Classification Sherloc (09022015). Collection method: clinical testing. Allele origin: germline.
Comment: This variant is present in population databases (rs753528013, gnomAD no frequency). This sequence change replaces histidine, which is basic and polar, with arginine, which is basic and polar, at codon 79 of the MLH3 protein (p.His79Arg). In summary, the available evidence is currently insufficient to determine the role of this variant in disease. Therefore, it has been classified as a Variant of Uncertain Significance. Algorithms developed to predict the effect of missense changes on protein structure and function (SIFT, PolyPhen-2, Align-GVGD) all suggest that this variant is likely to be tolerated. ClinVar contains an entry for this variant (Variation ID: 642836). This variant has not been reported in the literature in individuals affected with MLH3-related conditions.